The following is an entry in ClinVar:

ClinVar aggregate classification (germline): Likely benign. Review status: criteria provided, multiple submitters, no conflicts (2 of 4 stars). 3 submissions from 3 submitters: Likely benign (3). Last evaluated 2023-04-01.

Allele frequency attached by ClinVar (database versions not stated): 1000 Genomes Project 30x 0.00141; 1000 Genomes Project 0.00160; ExAC 0.00287; gnomAD exomes 0.00295; gnomAD 0.00309 and 0.00319; TOPMed 0.00333; ESP Exome Variant Server 0.00354.
gnomAD v4.1: 7,271 of 1,613,404 alleles (0.45%); highest among the groups gnomAD compares: Non-Finnish European, 0.55%; 27 homozygotes.

Submissions (3):

CeGaT Center for Human Genetics Tuebingen
Classification: Likely benign. Last evaluated: 2023-04-01. Review status: criteria provided, single submitter. Criteria: CeGaT Center For Human Genetics Tuebingen Variant Classification Criteria Version 2. Collection method: clinical testing. Allele origin: germline. Affected: yes. Observed: 3 variant alleles.
Comment: SEC16A: BP4, BS2

Labcorp Genetics (formerly Invitae), Labcorp
Classification: Likely benign. Last evaluated: 2018-06-23. Review status: criteria provided, single submitter. Criteria: Invitae Variant Classification Sherloc (09022015). Collection method: clinical testing. Allele origin: germline.

Breakthrough Genomics
Classification: Likely benign. Review status: criteria provided, single submitter. Criteria: ACMG Guidelines, 2015. Collection method: not provided. Allele origin: germline. Inheritance: Unknown mechanism. Affected: yes.

NM_014866.2(SEC16A):c.2977G>A (p.Ala993Thr)

Gene: SEC16A (SEC16 homolog A, endoplasmic reticulum export factor; minus strand). Cytogenetic location: 9q34.3.
Variant type: single nucleotide variant.
Coding change: c.2977G>A on transcript NM_014866.2 (MANE Select); coding-DNA position 2977, G replaced by A.
Protein change: p.Ala993Thr; replaces alanine 993 with threonine.
Molecular consequence: missense variant.
Genome position (GRCh38, 1-based): chr9:136,474,639, C>T on the plus strand (G>A on the coding strand, the complement: SEC16A is on the minus strand). VCF-style: chr9-136474639-C-T. GRCh37 (hg19) VCF-style: chr9-139369091-C-T.
Other names: c.2977G>A, p.Ala993Thr (NM_001276418.2); short protein forms A993T.
Identifiers: ClinVar variation 713864 (VCV000713864.28), dbSNP rs11788702, ClinGen allele CA5338788.
Genomic context (GRCh38, chr9:136,474,639, plus strand): 5'-GGGACGGGTTGTACACGTTTACAGGATTTTCCAAAGTCCTGCTTAAGGTAAAGTCTAGGG[C>T]TCCGTAAGTGTCTTCCTGATGACTGGAATGGTTTGCCTTATTACCATCAGGCACCAGGGT-3'
Protein context (NP_055681.1, residues 983-1003): HSSHQEDTYG[Ala993Thr]LDFTLSRTLE